The following is an entry in ClinVar:

ClinVar aggregate classification (germline): Uncertain significance. Review status: criteria provided, multiple submitters, no conflicts (2 of 4 stars). 2 submissions from 2 submitters: Uncertain significance (2). Last evaluated 2025-09-28.

Conditions:
Pulmonary fibrosis and/or bone marrow failure, Telomere-related, 3. Also called: PULMONARY FIBROSIS AND/OR BONE MARROW FAILURE SYNDROME, TELOMERE-RELATED, 3. Identifiers: Orphanet 2032, MedGen C4225346, MONDO:0014613, OMIM 616373.
Dyskeratosis congenita, autosomal recessive 5 (DKCB5). Identifiers: MedGen C3554656, MONDO:0014076, OMIM 615190.
Inborn genetic diseases. Identifiers: MedGen C0950123, MeSH D030342.

Allele frequency attached by ClinVar (database versions not stated): ExAC 0.00001; gnomAD exomes 0.00001.
gnomAD v4.1: 3 of 1,614,014 alleles (0.00019%); highest among the groups gnomAD compares: South Asian, 0.0033%; no homozygotes.

Submissions (2):

Ambry Genetics
Classification: Uncertain significance for Inborn genetic diseases. Last evaluated: 2025-09-28. Review status: criteria provided, single submitter. Criteria: Ambry Variant Classification Scheme 2023. Collection method: clinical testing. Allele origin: germline.
Comment: The p.P269L variant (also known as c.806C>T), located in coding exon 9 of the RTEL1 gene, results from a C to T substitution at nucleotide position 806. The proline at codon 269 is replaced by leucine, an amino acid with similar properties. This amino acid position is conserved. In addition, this alteration is predicted to be tolerated by in silico analysis. Based on the available evidence, the clinical significance of this variant remains unclear.

Labcorp Genetics (formerly Invitae), Labcorp
Classification: Uncertain significance for Dyskeratosis congenita, autosomal recessive 5; Pulmonary fibrosis and/or bone marrow failure, Telomere-related, 3. Last evaluated: 2022-03-21. Review status: criteria provided, single submitter. Criteria: Invitae Variant Classification Sherloc (09022015). Collection method: clinical testing. Allele origin: germline.
Comment: In summary, the available evidence is currently insufficient to determine the role of this variant in disease. Therefore, it has been classified as a Variant of Uncertain Significance. Algorithms developed to predict the effect of missense changes on protein structure and function are either unavailable or do not agree on the potential impact of this missense change (SIFT: "Tolerated"; PolyPhen-2: "Possibly Damaging"; Align-GVGD: "Class C0"). This variant has not been reported in the literature in individuals affected with RTEL1-related conditions. This variant is present in population databases (rs774484990, gnomAD 0.003%). This sequence change replaces proline, which is neutral and non-polar, with leucine, which is neutral and non-polar, at codon 269 of the RTEL1 protein (p.Pro269Leu).

NM_001283009.2(RTEL1):c.806C>T (p.Pro269Leu)

Genes: RTEL1 (regulator of telomere elongation helicase 1; plus strand), RTEL1-TNFRSF6B (RTEL1-TNFRSF6B readthrough (NMD candidate); plus strand). Cytogenetic location: 20q13.33.
Variant type: single nucleotide variant.
Coding change: c.806C>T on transcript NM_001283009.2 (MANE Select); coding-DNA position 806, C replaced by T.
Protein change: p.Pro269Leu; replaces proline 269 with leucine.
Molecular consequence: missense variant. On other transcripts: non-coding transcript variant (1).
Genome position (GRCh38, 1-based): chr20:63,673,980, C>T. VCF-style: chr20-63673980-C-T. GRCh37 (hg19) VCF-style: chr20-62305333-C-T.
Other names: c.137C>T, p.Pro46Leu (NM_001283010.1); c.806C>T, p.Pro269Leu (NM_016434.4); c.878C>T, p.Pro293Leu (NM_032957.5); short protein forms P293L, P269L, P46L.
Identifiers: ClinVar variation 2098255 (VCV002098255.5), dbSNP rs774484990, ClinGen allele CA9964457.